The following is an entry in ClinVar:

ClinVar aggregate classification (germline): Likely pathogenic (1 of 4 stars; one submission).

Submission:

CeGaT Center for Human Genetics Tuebingen
Classification: Likely pathogenic. Last evaluated: 2023-01-01. Review status: criteria provided, single submitter. Criteria: CeGaT Center For Human Genetics Tuebingen Variant Classification Criteria Version 2. Collection method: clinical testing. Allele origin: germline. Affected: yes. Observed: 2 variant alleles.
Comment: COL12A1: PM1:Strong, PM2, PP3

NM_004370.6(COL12A1):c.8366G>T (p.Gly2789Val)

Gene: COL12A1 (collagen type XII alpha 1 chain; minus strand). Cytogenetic location: 6q13.
Variant type: single nucleotide variant.
Coding change: c.8366G>T on transcript NM_004370.6 (MANE Select); coding-DNA position 8366, G replaced by T.
Protein change: p.Gly2789Val; replaces glycine 2789 with valine.
Molecular consequence: missense variant.
Genome position (GRCh38, 1-based): chr6:75,102,646, C>A on the plus strand (G>T on the coding strand, the complement: COL12A1 is on the minus strand). VCF-style: chr6-75102646-C-A. GRCh37 (hg19) VCF-style: chr6-75812362-C-A.
Other names: c.4874G>T, p.Gly1625Val (NM_080645.3); short protein forms G1625V, G2789V.
Identifiers: ClinVar variation 1879665 (VCV001879665.29), dbSNP rs2533103728, ClinGen allele CA364739591.
Genomic context (GRCh38, chr6:75,102,646, plus strand): 5'-TTTGTGCTTACTTGCTCTCCCGGAATAGAGAGTCCATTGGGTCCCTGAGGGCCTGGAGGA[C>A]CCTGGGGGCCTGGAGGACCTATGTCTCCACGAGGACCAGGGGGCCCCTAAAATACACAAG-3'
Protein context (NP_004361.3, residues 2779-2799): RGDIGPPGPQ[Gly2789Val]PPGPQGPNGL